The following is an entry in ClinVar:

ClinVar aggregate classification (germline): Uncertain significance (1 of 4 stars; one submission).

Allele frequency attached by ClinVar (database versions not stated): gnomAD exomes below 0.00001 and 0.00001; gnomAD 0.00001; TOPMed 0.00001.
gnomAD v4.1: 3 of 1,613,590 alleles (0.00019%); highest among the groups gnomAD compares: Admixed American, 0.0033%; no homozygotes.

Submission:

Labcorp Genetics (formerly Invitae), Labcorp
Classification: Uncertain significance. Last evaluated: 2022-11-22. Review status: criteria provided, single submitter. Criteria: Invitae Variant Classification Sherloc (09022015). Collection method: clinical testing. Allele origin: germline.
Comment: In summary, the available evidence is currently insufficient to determine the role of this variant in disease. Therefore, it has been classified as a Variant of Uncertain Significance. Advanced modeling of protein sequence and biophysical properties (such as structural, functional, and spatial information, amino acid conservation, physicochemical variation, residue mobility, and thermodynamic stability) performed at Invitae indicates that this missense variant is expected to disrupt EMC1 protein function. ClinVar contains an entry for this variant (Variation ID: 1363487). This variant has not been reported in the literature in individuals affected with EMC1-related conditions. This variant is present in population databases (no rsID available, gnomAD 0.006%). This sequence change replaces serine, which is neutral and polar, with phenylalanine, which is neutral and non-polar, at codon 68 of the EMC1 protein (p.Ser68Phe).

NM_015047.3(EMC1):c.203C>T (p.Ser68Phe)

Gene: EMC1 (ER membrane protein complex subunit 1; minus strand). Cytogenetic location: 1p36.13.
Variant type: single nucleotide variant.
Coding change: c.203C>T on transcript NM_015047.3 (MANE Select); coding-DNA position 203, C replaced by T.
Protein change: p.Ser68Phe; replaces serine 68 with phenylalanine.
Molecular consequence: missense variant.
Genome position (GRCh38, 1-based): chr1:19,244,923, G>A on the plus strand (C>T on the coding strand, the complement: EMC1 is on the minus strand). VCF-style: chr1-19244923-G-A. GRCh37 (hg19) VCF-style: chr1-19571417-G-A.
Other names: c.203C>T, p.Ser68Phe (NM_001271427.2, NM_001271428.2, NM_001271429.2 and 2 more transcripts); short protein forms S68F.
Identifiers: ClinVar variation 1363487 (VCV001363487.8), dbSNP rs1384112958, ClinGen allele CA338773699.